The following is an entry in ClinVar:

NM_001005242.3(PKP2):c.629_633del (p.Arg210fs)

Gene: PKP2 (plakophilin 2; minus strand). Cytogenetic location: 12p11.21.
Variant type: Deletion.
Coding change: c.629_633del on transcript NM_001005242.3 (MANE Select); coding-DNA positions 629 to 633, 5 bases deleted (GGCAG; older notation c.629_633delGGCAG).
Protein change: p.Arg210fs; shifts the reading frame from arginine 210.
Molecular consequence: frameshift variant.
Genome position (GRCh38, 1-based): chr12:32,878,247-32,878,251, CTGCC deleted on the plus strand (GGCAG on the coding strand, the reverse complement: PKP2 is on the minus strand). VCF-style (leftmost placement, unchanged base first): chr12-32878246-GCTGCC-G. GRCh37 (hg19) VCF-style: chr12-33031180-GCTGCC-G.
Other names: c.629_633del, p.Arg210fs (NM_001407155.1, NM_001407156.1, NM_001407157.1 and 2 more transcripts); c.302_306del, p.Arg101fs (NM_001407158.1, NM_001407159.1, NM_001407160.1 and 1 more transcripts); short protein forms R101fs, R210fs.
Identifiers: ClinVar variation 4614730 (VCV004614730.1).

ClinVar aggregate classification (germline): Pathogenic (1 of 4 stars; one submission).

Conditions:
Cardiovascular phenotype. Identifiers: MedGen CN230736.

Submission:

Ambry Genetics
Classification: Pathogenic for Cardiovascular phenotype. Last evaluated: 2025-12-01. Review status: criteria provided, single submitter. Criteria: Ambry Variant Classification Scheme 2023. Collection method: clinical testing. Allele origin: germline.
Comment: The c.629_633delGGCAG variant, located in coding exon 3 of the PKP2 gene, results from a deletion of 5 nucleotides at nucleotide positions 629 to 633, causing a translational frameshift with a predicted alternate stop codon (p.R210Tfs*4). This alteration is expected to result in loss of function by premature protein truncation or nonsense-mediated mRNA decay. This variant is considered to be rare based on population cohorts in the Genome Aggregation Database (gnomAD). As such, this alteration is interpreted as a disease-causing mutation.